The following is an entry in ClinVar:

ClinVar aggregate classification (germline): Uncertain significance. Review status: criteria provided, multiple submitters, no conflicts (2 of 4 stars). 2 submissions from 2 submitters: Uncertain significance (2). Last evaluated 2025-09-01.

Allele frequency attached by ClinVar (database versions not stated): TOPMed below 0.00001; gnomAD exomes 0.00001; ExAC 0.00002.

Submissions (2):

Labcorp Genetics (formerly Invitae), Labcorp
Classification: Uncertain significance. Last evaluated: 2025-09-01. Review status: criteria provided, single submitter. Criteria: Invitae Variant Classification Sherloc (09022015). Collection method: clinical testing. Allele origin: germline.
Comment: This sequence change replaces proline, which is neutral and non-polar, with serine, which is neutral and polar, at codon 459 of the IRF2BP2 protein (p.Pro459Ser). This variant is present in population databases (rs757949776, gnomAD 0.02%). This variant has not been reported in the literature in individuals affected with IRF2BP2-related conditions. ClinVar contains an entry for this variant (Variation ID: 1950898). An algorithm developed to predict the effect of missense changes on protein structure and function (PolyPhen-2) suggests that this variant is likely to be tolerated. In summary, the available evidence is currently insufficient to determine the role of this variant in disease. Therefore, it has been classified as a Variant of Uncertain Significance.

Ambry Genetics
Classification: Uncertain significance. Last evaluated: 2024-02-05. Review status: criteria provided, single submitter. Criteria: Ambry Variant Classification Scheme 2023. Collection method: clinical testing. Allele origin: germline.

NM_182972.3(IRF2BP2):c.1375C>T (p.Pro459Ser)

Gene: IRF2BP2 (interferon regulatory factor 2 binding protein 2; minus strand). Cytogenetic location: 1q42.3.
Variant type: single nucleotide variant.
Coding change: c.1375C>T on transcript NM_182972.3 (MANE Select); coding-DNA position 1375, C replaced by T.
Protein change: p.Pro459Ser; replaces proline 459 with serine.
Molecular consequence: missense variant.
Genome position (GRCh38, 1-based): chr1:234,607,526, G>A on the plus strand (C>T on the coding strand, the complement: IRF2BP2 is on the minus strand). VCF-style: chr1-234607526-G-A. GRCh37 (hg19) VCF-style: chr1-234743272-G-A.
Other names: c.1327C>T, p.Pro443Ser (NM_001077397.1); c.1375C>T (NM_182972.2); short protein forms P443S, P459S.
Identifiers: ClinVar variation 1950898 (VCV001950898.6), dbSNP rs757949776, ClinGen allele CA1461575.
Genomic context (GRCh38, chr1:234,607,526, plus strand): 5'-CTCCCTGGCCCCCCACCTCTCTGGGGCCCAGCCTTCTTTGGTTCATAGAGGACGGAGAGG[G>A]CGGACTGTTGCTATTCCTCCTGGTAGTGGAGTGAACCTGGTTGGCATCTTTTGAGGCATG-3'
Protein context (NP_892017.2, residues 449-469): STTRRNSNSP[Pro459Ser]SPSSMNQRRL